The following is an entry in ClinVar:

NM_001291746.2(REL):c.1224G>A (p.Ser408=)

Gene: REL (REL proto-oncogene, NF-kB subunit; plus strand). Cytogenetic location: 2p16.1.
Variant type: single nucleotide variant.
Coding change: c.1224G>A on transcript NM_001291746.2 (MANE Select); coding-DNA position 1224, G replaced by A.
Protein change: p.Ser408=; no amino-acid change (serine 408 retained).
Molecular consequence: synonymous variant.
Genome position (GRCh38, 1-based): chr2:60,921,995, G>A. VCF-style: chr2-60921995-G-A. GRCh37 (hg19) VCF-style: chr2-61149130-G-A.
Other names: c.1320G>A, p.Ser440= (NM_002908.4).
Identifiers: ClinVar variation 2084410 (VCV002084410.28), dbSNP rs201150601, ClinGen allele CA1672453.
Genomic context (GRCh38, chr2:60,921,995, plus strand): 5'-ACGCTCAGGCAATACAAACCCACTGAGTAGTTTTTCAACAAGGACACTTCCTTCTAATTC[G>A]CAAGGTATCCCACCATTCCTGAGAATACCTGTTGGGAATGATTTAAATGCTTCTAATGCT-3'
Protein context (NP_001278675.1, residues 398-418): SFSTRTLPSN[Ser408=]QGIPPFLRIP

ClinVar aggregate classification (germline): Likely benign. Review status: criteria provided, multiple submitters, no conflicts (2 of 4 stars). 2 submissions from 2 submitters: Likely benign (2). Last evaluated 2025-05-02.

Allele frequency attached by ClinVar (database versions not stated): TOPMed 0.00002; ExAC 0.00006; ESP Exome Variant Server 0.00008.
gnomAD v4.1: 26 of 1,614,096 alleles (0.0016%); highest among the groups gnomAD compares: Admixed American, 0.0033%; no homozygotes.

Submissions (2):

Labcorp Genetics (formerly Invitae), Labcorp
Classification: Likely benign. Last evaluated: 2025-05-02. Review status: criteria provided, single submitter. Criteria: Invitae Variant Classification Sherloc (09022015). Collection method: clinical testing. Allele origin: germline.

CeGaT Center for Human Genetics Tuebingen
Classification: Likely benign. Last evaluated: 2023-02-01. Review status: criteria provided, single submitter. Criteria: CeGaT Center For Human Genetics Tuebingen Variant Classification Criteria Version 2. Collection method: clinical testing. Allele origin: germline. Affected: yes. Observed: 1 variant allele.
Comment: REL: BP4, BP7